The following is an entry in ClinVar:

NM_147127.5(EVC2):c.2829+2T>G

Gene: EVC2 (EvC ciliary complex subunit 2; minus strand). Cytogenetic location: 4p16.2.
Variant type: single nucleotide variant.
Coding change: c.2829+2T>G on transcript NM_147127.5 (MANE Select); the canonical splice donor site of the intron after coding-DNA position 2829, T replaced by G.
Molecular consequence: splice donor variant.
Genome position (GRCh38, 1-based): chr4:5,615,420, A>C on the plus strand (T>G on the coding strand, the complement: EVC2 is on the minus strand). VCF-style: chr4-5615420-A-C. GRCh37 (hg19) VCF-style: chr4-5617147-A-C.
Other names: c.2589+2T>G (NM_001166136.2).
Identifiers: ClinVar variation 2949893 (VCV002949893.4), dbSNP rs2475350092, ClinGen allele CA356142181.

ClinVar aggregate classification (germline): Conflicting classifications of pathogenicity. Review status: criteria provided, conflicting classifications (1 of 4 stars). 2 submissions from 2 submitters: Likely pathogenic (1); Uncertain significance (1). Last evaluated 2026-02-03.

Conditions:
Ellis-van Creveld syndrome (EVC). Also called: MESOECTODERMAL DYSPLASIA; Chondroectodermal dysplasia. Identifiers: Orphanet 289, MedGen C0013903, MONDO:0009162, OMIM 225500.
Curry-Hall syndrome (WAD). Also called: WEYERS ACRODENTAL DYSOSTOSIS. Identifiers: Orphanet 952, MedGen C0457013, MONDO:0008673, OMIM 193530.

Submissions (2):

Myriad Genetics, Inc.
Classification: Uncertain significance for Ellis-van Creveld syndrome. Last evaluated: 2026-02-03. Review status: criteria provided, single submitter. Criteria: Myriad Autosomal Dominant, Autosomal Recessive and X-Linked Classification Criteria (2023). Collection method: clinical testing. Allele origin: unknown.
Comment: NM_147127.4(EVC2):c.2829+2T>G is a variant in a canonical splice site classified as a variant of uncertain significance in the context of EVC2-related Ellis-van Creveld syndrome. c.2829+2T>G has not been observed in cases with relevant disease. Relevant functional assessments of this variant are not available in the literature. c.2829+2T>G has not been observed in referenced population frequency databases. In summary, there is insufficient evidence to classify NM_147127.4(EVC2):c.2829+2T>G as pathogenic or benign. Please note: this variant was assessed in the context of healthy population screening.

Labcorp Genetics (formerly Invitae), Labcorp
Classification: Likely pathogenic for Curry-Hall syndrome; Ellis-van Creveld syndrome. Last evaluated: 2023-07-16. Review status: criteria provided, single submitter. Criteria: Invitae Variant Classification Sherloc (09022015). Collection method: clinical testing. Allele origin: germline.
Comment: In summary, the currently available evidence indicates that the variant is pathogenic, but additional data are needed to prove that conclusively. Therefore, this variant has been classified as Likely Pathogenic. Algorithms developed to predict the effect of sequence changes on RNA splicing suggest that this variant may disrupt the consensus splice site. This variant has not been reported in the literature in individuals affected with EVC2-related conditions. This variant is not present in population databases (gnomAD no frequency). This sequence change affects a donor splice site in intron 16 of the EVC2 gene. It is expected to disrupt RNA splicing. Variants that disrupt the donor or acceptor splice site typically lead to a loss of protein function (PMID: 16199547), and loss-of-function variants in EVC2 are known to be pathogenic (PMID: 17024374, 19810119, 19876929).

Literature cited by the submitters: PubMed 16199547 (cited by Labcorp Genetics (formerly Invitae), Labcorp); PubMed 17024374 (cited by Labcorp Genetics (formerly Invitae), Labcorp); PubMed 19810119 (cited by Labcorp Genetics (formerly Invitae), Labcorp); PubMed 19876929 (cited by Labcorp Genetics (formerly Invitae), Labcorp).